The following is an entry in ClinVar:

ClinVar aggregate classification (germline): Likely pathogenic (1 of 4 stars; one submission).

Conditions:
KBG syndrome (KBGS). Also called: ANKRD11-Related KBG Syndrome. Identifiers: Orphanet 2332, MedGen C0220687, MONDO:0007846, OMIM 148050.

Submission:

Variantyx, Inc.
Classification: Likely pathogenic for KBG syndrome. Last evaluated: 2025-06-18. Review status: criteria provided, single submitter. Criteria: Variantyx Assertion Criteria 2022. Collection method: clinical testing. Allele origin: germline. Inheritance: Autosomal dominant inheritance. Affected: yes.
Comment: Pathogenic variants in this gene have been associated with autosomal dominant KBG syndrome. This variant introduces a premature termination codon in exon 9 out of 13a nd is expected to result in loss of function, which is a known disease mechanism for ANKRD11 in this disorder (PMID: 33955014) (PVS1). This variant is absent from control populations (PM2 and it has not been reported in individuals with ANKRD11-related disorders in the databases available for review. Inheritance from an unaffected parent or a parent with unknown affected status has been reported, consistent with incomplete penetrance (PMID: 15384099). Based on the current evidence, this variant is classified as likely pathogenic for autosomal dominant KBG syndrome.

Literature cited by the submitters: PubMed 33955014; PubMed 15384099.

NM_013275.6(ANKRD11):c.1374_1375insG (p.Lys459fs)

Gene: ANKRD11 (ankyrin repeat domain 11; minus strand). Cytogenetic location: 16q24.3.
Variant type: Insertion.
Coding change: c.1374_1375insG on transcript NM_013275.6 (MANE Select); coding-DNA positions 1374 to 1375, G inserted.
Protein change: p.Lys459fs; shifts the reading frame from lysine 459.
Molecular consequence: frameshift variant.
Genome position: GRCh38 VCF-style: chr16-89285167-T-TC. GRCh37 (hg19) VCF-style: chr16-89351575-T-TC.
Other names: c.1374_1375insG, p.Lys459fs (NM_001256182.2, NM_001256183.2); short protein forms K459fs.
Identifiers: ClinVar variation 4850062 (VCV004850062.1).